The following is an entry in ClinVar:

NM_001142800.2(EYS):c.4943C>A (p.Ser1648Tyr)

Gene: EYS (EGF-like photoreceptor maintenance factor; minus strand). Cytogenetic location: 6q12.
Variant type: single nucleotide variant.
Coding change: c.4943C>A on transcript NM_001142800.2 (MANE Select); coding-DNA position 4943, C replaced by A.
Protein change: p.Ser1648Tyr; replaces serine 1648 with tyrosine.
Molecular consequence: missense variant.
Genome position (GRCh38, 1-based): chr6:64,590,924, G>T on the plus strand (C>A on the coding strand, the complement: EYS is on the minus strand). VCF-style: chr6-64590924-G-T. GRCh37 (hg19) VCF-style: chr6-65300817-G-T.
Other names: c.4943C>A, p.Ser1648Tyr (NM_001292009.2); c.4943C>A (NM_001142800.1); short protein forms S1648Y.
Identifiers: ClinVar variation 2154762 (VCV002154762.6), dbSNP rs754649480, ClinGen allele CA3877045.

ClinVar aggregate classification (germline): Uncertain significance. Review status: criteria provided, multiple submitters, no conflicts (2 of 4 stars). 4 submissions from 4 submitters: Uncertain significance (4). Last evaluated 2024-02-05.

Conditions:
Retinitis pigmentosa 25 (RP25). Identifiers: Orphanet 791, MedGen C1864446, MONDO:0011272, OMIM 602772.
Inborn genetic diseases. Identifiers: MedGen C0950123, MeSH D030342.

Allele frequency attached by ClinVar (database versions not stated): gnomAD 0.00001; gnomAD exomes 0.00002; ExAC 0.00005.
gnomAD v4.1: 25 of 1,550,340 alleles (0.0016%); highest among the groups gnomAD compares: South Asian, 0.03%; no homozygotes.

Submissions (4):

Blueprint Genetics
Classification: Uncertain significance. Last evaluated: 2024-02-05. Review status: criteria provided, single submitter. Criteria: ACMG Guidelines, 2015. Collection method: clinical testing. Allele origin: germline.

Labcorp Genetics (formerly Invitae), Labcorp
Classification: Uncertain significance. Last evaluated: 2022-08-21. Review status: criteria provided, single submitter. Criteria: Invitae Variant Classification Sherloc (09022015). Collection method: clinical testing. Allele origin: germline.
Comment: This sequence change replaces serine, which is neutral and polar, with tyrosine, which is neutral and polar, at codon 1648 of the EYS protein (p.Ser1648Tyr). This variant is present in population databases (rs754649480, gnomAD 0.02%). This variant has not been reported in the literature in individuals affected with EYS-related conditions. Algorithms developed to predict the effect of missense changes on protein structure and function output the following: SIFT: "Deleterious"; PolyPhen-2: "Benign"; Align-GVGD: "Class C0". The tyrosine amino acid residue is found in multiple mammalian species, which suggests that this missense change does not adversely affect protein function. In summary, the available evidence is currently insufficient to determine the role of this variant in disease. Therefore, it has been classified as a Variant of Uncertain Significance.

Ambry Genetics
Classification: Uncertain significance for Inborn genetic diseases. Last evaluated: 2021-06-11. Review status: criteria provided, single submitter. Criteria: Ambry Variant Classification Scheme 2023. Collection method: clinical testing. Allele origin: germline.

Revvity Omics, Revvity
Classification: Uncertain significance for Retinitis pigmentosa 25. Last evaluated: 2019-11-01. Review status: criteria provided, single submitter. Criteria: ACMG Guidelines, 2015. Collection method: clinical testing. Allele origin: germline.